The following is an entry in ClinVar:

ClinVar aggregate classification (germline): Uncertain significance (1 of 4 stars; one submission).

Submission:

Labcorp Genetics (formerly Invitae), Labcorp
Classification: Uncertain significance. Last evaluated: 2025-03-25. Review status: criteria provided, single submitter. Criteria: Invitae Variant Classification Sherloc (09022015). Collection method: clinical testing. Allele origin: germline.
Comment: This sequence change replaces threonine, which is neutral and polar, with proline, which is neutral and non-polar, at codon 3046 of the FREM2 protein (p.Thr3046Pro). This variant is not present in population databases (gnomAD no frequency). This variant has not been reported in the literature in individuals affected with FREM2-related conditions. Invitae Evidence Modeling of protein sequence and biophysical properties (such as structural, functional, and spatial information, amino acid conservation, physicochemical variation, residue mobility, and thermodynamic stability) indicates that this missense variant is not expected to disrupt FREM2 protein function with a negative predictive value of 80%. In summary, the available evidence is currently insufficient to determine the role of this variant in disease. Therefore, it has been classified as a Variant of Uncertain Significance.

NM_207361.6(FREM2):c.9136A>C (p.Thr3046Pro)

Gene: FREM2 (FRAS1 related extracellular matrix 2; plus strand). Cytogenetic location: 13q13.3.
Variant type: single nucleotide variant.
Coding change: c.9136A>C on transcript NM_207361.6 (MANE Select); coding-DNA position 9136, A replaced by C.
Protein change: p.Thr3046Pro; replaces threonine 3046 with proline.
Molecular consequence: missense variant.
Genome position (GRCh38, 1-based): chr13:38,880,413, A>C. VCF-style: chr13-38880413-A-C. GRCh37 (hg19) VCF-style: chr13-39454550-A-C.
Other names: short protein forms T3046P.
Identifiers: ClinVar variation 4761385 (VCV004761385.1).